The following is an entry in ClinVar:

NM_004415.4(DSP):c.6740G>A (p.Gly2247Asp)

Gene: DSP (desmoplakin; plus strand). Cytogenetic location: 6p24.3.
Variant type: single nucleotide variant.
Coding change: c.6740G>A on transcript NM_004415.4 (MANE Select); coding-DNA position 6740, G replaced by A.
Protein change: p.Gly2247Asp; replaces glycine 2247 with aspartic acid.
Molecular consequence: missense variant.
Genome position (GRCh38, 1-based): chr6:7,584,002, G>A. VCF-style: chr6-7584002-G-A. GRCh37 (hg19) VCF-style: chr6-7584235-G-A.
Other names: c.4943G>A, p.Gly1648Asp (NM_001008844.3); c.5411G>A, p.Gly1804Asp (NM_001319034.2); short protein forms G1804D, G1648D, G2247D.
Identifiers: ClinVar variation 2775351 (VCV002775351.4), dbSNP rs2533942611, ClinGen allele CA362691443.

ClinVar aggregate classification (germline): Uncertain significance. Review status: criteria provided, multiple submitters, no conflicts (2 of 4 stars). 3 submissions from 3 submitters: Uncertain significance (3). Last evaluated 2024-12-20.

Conditions:
Cardiomyopathy (CMYO). Also called: Cardiomyopathies. Identifiers: Orphanet 167848, MedGen C0878544, MONDO:0004994, HP:0001638. Inheritance: Various modes of inheritance.
Cardiovascular phenotype. Identifiers: MedGen CN230736.
Arrhythmogenic cardiomyopathy with wooly hair and keratoderma. Also called: PALMOPLANTAR KERATODERMA WITH LEFT VENTRICULAR CARDIOMYOPATHY AND WOOLLY HAIR; Dilated cardiomyopathy with woolly hair and keratoderma; Arrhythmogenic cardiomyopathy with woolly hair and keratoderma; Carvajal syndrome. Identifiers: Orphanet 65282, MedGen C1854063, MONDO:0011581, OMIM 605676.

Allele frequency attached by ClinVar (database versions not stated): gnomAD exomes below 0.00001.
gnomAD v4.1: 1 of 1,614,162 alleles (0.000062%); highest among the groups gnomAD compares: Non-Finnish European, 0.000085%; no homozygotes.

Submissions (3):

Ambry Genetics
Classification: Uncertain significance for Cardiovascular phenotype. Last evaluated: 2024-12-20. Review status: criteria provided, single submitter. Criteria: Ambry Variant Classification Scheme 2023. Collection method: clinical testing. Allele origin: germline.
Comment: The p.G2247D variant (also known as c.6740G>A), located in coding exon 24 of the DSP gene, results from a G to A substitution at nucleotide position 6740. The glycine at codon 2247 is replaced by aspartic acid, an amino acid with similar properties. This amino acid position is conserved. In addition, this alteration is predicted to be tolerated by in silico analysis. Based on the available evidence, the clinical significance of this variant remains unclear.

All of Us Research Program, National Institutes of Health
Classification: Uncertain significance for Arrhythmogenic cardiomyopathy with wooly hair and keratoderma. Last evaluated: 2023-05-04. Review status: criteria provided, single submitter. Criteria: ACMG Guidelines, 2015. Collection method: clinical testing. Allele origin: germline. Inheritance: Autosomal dominant inheritance. Observed: 1 variant allele, 1 heterozygote.
Comment: This missense variant replaces glycine with aspartic acid at codon 2247 of the DSP protein. Computational prediction suggests that this variant may not impact protein structure and function (internally defined REVEL score threshold <= 0.5, PMID: 27666373). To our knowledge, functional studies have not been reported for this variant. This variant has not been reported in individuals affected with DSP-related disorders in the literature. This variant has not been identified in the general population by the Genome Aggregation Database (gnomAD). The available evidence is insufficient to determine the role of this variant in disease conclusively. Therefore, this variant is classified as a Variant of Uncertain Significance.

This study involves interpretation of variants in research participants for the purpose of population health screening. Participant phenotype was not available at the time of variant classification. Additional details can be found in publication PMID: 35346344, PMCID: PMC8962531

Color Diagnostics, LLC DBA Color Health
Classification: Uncertain significance for Cardiomyopathy. Last evaluated: 2022-11-06. Review status: criteria provided, single submitter. Criteria: ACMG Guidelines, 2015. Collection method: clinical testing. Allele origin: germline.
Comment: This missense variant replaces glycine with aspartic acid at codon 2247 of the DSP protein. Computational prediction suggests that this variant may not impact protein structure and function (internally defined REVEL score threshold <= 0.5, PMID: 27666373). To our knowledge, functional studies have not been reported for this variant. This variant has not been reported in individuals affected with DSP-related disorders in the literature. This variant has not been identified in the general population by the Genome Aggregation Database (gnomAD). The available evidence is insufficient to determine the role of this variant in disease conclusively. Therefore, this variant is classified as a Variant of Uncertain Significance.